The following is an entry in ClinVar:

ClinVar aggregate classification (germline): Conflicting classifications of pathogenicity. Review status: criteria provided, conflicting classifications (1 of 4 stars). 4 submissions from 4 submitters: Uncertain significance (1); Likely benign (1). 2 of the submissions do not count toward it. Last evaluated 2025-10-13.

Conditions:
Cardiovascular phenotype. Identifiers: MedGen CN230736.
Alstrom syndrome (ALMS). Identifiers: Orphanet 64, MedGen C0268425, MONDO:0008763, OMIM 203800.

Allele frequency attached by ClinVar (database versions not stated): gnomAD exomes 0.00001 and 0.00003; TOPMed 0.00006; gnomAD 0.00008 and 0.00006; ExAC 0.00004; 1000 Genomes Project 30x 0.00016; 1000 Genomes Project 0.00020; ESP Exome Variant Server 0.00023.
gnomAD v4.1: 21 of 1,614,138 alleles (0.0013%); highest among the groups gnomAD compares: African/African-American, 0.027%; no homozygotes.

Submissions (4):

Labcorp Genetics (formerly Invitae), Labcorp
Classification: Uncertain significance for Alstrom syndrome. Last evaluated: 2025-10-13. Review status: criteria provided, single submitter. Criteria: Invitae Variant Classification Sherloc (09022015). Collection method: clinical testing. Allele origin: germline.
Comment: This sequence change replaces isoleucine, which is neutral and non-polar, with methionine, which is neutral and non-polar, at codon 4111 of the ALMS1 protein (p.Ile4111Met). This variant is present in population databases (rs375524122, gnomAD 0.03%). This variant has not been reported in the literature in individuals affected with ALMS1-related conditions. ClinVar contains an entry for this variant (Variation ID: 554183). Experimental studies and prediction algorithms are not available or were not evaluated, and the functional significance of this variant is currently unknown. In summary, the available evidence is currently insufficient to determine the role of this variant in disease. Therefore, it has been classified as a Variant of Uncertain Significance.

Ambry Genetics
Classification: Likely benign for Cardiovascular phenotype. Last evaluated: 2024-07-23. Review status: criteria provided, single submitter. Criteria: Ambry Variant Classification Scheme 2023. Collection method: clinical testing. Allele origin: germline.

Natera, Inc.
Classification: Uncertain significance for Alstrom syndrome. Last evaluated: 2021-08-02. Review status: no assertion criteria provided. Collection method: clinical testing. Allele origin: germline. Not counted in ClinVar's aggregate classification.

Counsyl
Classification: Uncertain significance for Alstrom syndrome. Last evaluated: 2017-09-29. Review status: no assertion criteria provided. Collection method: clinical testing. Allele origin: unknown. Not counted in ClinVar's aggregate classification.

NM_001378454.1(ALMS1):c.12330C>G (p.Ile4110Met)

Gene: ALMS1 (ALMS1 centrosome and basal body associated protein; plus strand). Cytogenetic location: 2p13.1.
Variant type: single nucleotide variant.
Coding change: c.12330C>G on transcript NM_001378454.1 (MANE Select); coding-DNA position 12330, C replaced by G.
Protein change: p.Ile4110Met; replaces isoleucine 4110 with methionine.
Molecular consequence: missense variant.
Genome position (GRCh38, 1-based): chr2:73,603,272, C>G. VCF-style: chr2-73603272-C-G. GRCh37 (hg19) VCF-style: chr2-73830399-C-G.
Other names: c.12333C>G, p.Ile4111Met (NM_015120.4); short protein forms I4111M, I4110M.
Identifiers: ClinVar variation 554183 (VCV000554183.16), dbSNP rs375524122, ClinGen allele CA1715530.